The following is an entry in ClinVar:

ClinVar aggregate classification (germline): Uncertain significance. Review status: criteria provided, multiple submitters, no conflicts (2 of 4 stars). 3 submissions from 3 submitters: Uncertain significance (3). Last evaluated 2025-11-04.

Conditions:
TTLL5-related disorder. Also called: TTLL5-related condition.

Allele frequency attached by ClinVar (database versions not stated): TOPMed 0.00006; gnomAD 0.00007; ESP Exome Variant Server 0.00008; gnomAD exomes 0.00010 and 0.00014; ExAC 0.00015.
gnomAD v4.1: 208 of 1,614,052 alleles (0.013%); highest among the groups gnomAD compares: Non-Finnish European, 0.017%; no homozygotes.

Submissions (3):

PreventionGenetics, part of Exact Sciences
Classification: Uncertain significance for TTLL5-related condition. Last evaluated: 2025-11-04. Review status: criteria provided, single submitter. Criteria: ACMG Guidelines, 2015. Collection method: clinical testing. Allele origin: germline.
Comment: The TTLL5 c.3691C>T variant is predicted to result in the amino acid substitution p.Pro1231Ser. To our knowledge, this variant has not been reported in the literature. This variant is reported in 0.021% of alleles in individuals of European (Non-Finnish) descent in gnomAD. At this time, the clinical significance of this variant is uncertain due to the absence of conclusive functional and genetic evidence.

Blueprint Genetics
Classification: Uncertain significance. Last evaluated: 2024-10-17. Review status: criteria provided, single submitter. Criteria: ACMG Guidelines, 2015. Collection method: clinical testing. Allele origin: germline.

Labcorp Genetics (formerly Invitae), Labcorp
Classification: Uncertain significance. Last evaluated: 2022-03-26. Review status: criteria provided, single submitter. Criteria: Invitae Variant Classification Sherloc (09022015). Collection method: clinical testing. Allele origin: germline.
Comment: This sequence change replaces proline, which is neutral and non-polar, with serine, which is neutral and polar, at codon 1231 of the TTLL5 protein (p.Pro1231Ser). This variant is present in population databases (rs11844617, gnomAD 0.02%). This variant has not been reported in the literature in individuals affected with TTLL5-related conditions. ClinVar contains an entry for this variant (Variation ID: 859099). Algorithms developed to predict the effect of missense changes on protein structure and function output the following: SIFT: "Tolerated"; PolyPhen-2: "Benign"; Align-GVGD: "Class C0". The serine amino acid residue is found in multiple mammalian species, which suggests that this missense change does not adversely affect protein function. In summary, the available evidence is currently insufficient to determine the role of this variant in disease. Therefore, it has been classified as a Variant of Uncertain Significance.

NM_015072.5(TTLL5):c.3691C>T (p.Pro1231Ser)

Gene: TTLL5 (tubulin tyrosine ligase like 5; plus strand). Cytogenetic location: 14q24.3.
Variant type: single nucleotide variant.
Coding change: c.3691C>T on transcript NM_015072.5 (MANE Select); coding-DNA position 3691, C replaced by T.
Protein change: p.Pro1231Ser; replaces proline 1231 with serine.
Molecular consequence: missense variant.
Genome position (GRCh38, 1-based): chr14:75,882,853, C>T. VCF-style: chr14-75882853-C-T. GRCh37 (hg19) VCF-style: chr14-76349196-C-T.
Other names: short protein forms P1231S.
Identifiers: ClinVar variation 859099 (VCV000859099.7), dbSNP rs11844617, ClinGen allele CA7280104.
Genomic context (GRCh38, chr14:75,882,853, plus strand): 5'-CTGCCACAAAAAGTGGTACCACCTCCAAGTTCTTGCGCCTCCCTGGTTCCCAAACCCCCA[C>T]CCAACCACGAACAAGTGCTCAGAAGGGCAACATCCCAGAAAGCTTCCAAGTAAGTTTTTT-3'
Protein context (NP_055887.3, residues 1221-1241): SCASLVPKPP[Pro1231Ser]NHEQVLRRAT